The following is an entry in ClinVar:

NM_004208.4(AIFM1):c.1441A>G (p.Met481Val)

Genes: AIFM1 (apoptosis inducing factor mitochondria associated 1; minus strand), RAB33A (RAB33A, member RAS oncogene family; plus strand). Cytogenetic location: Xq26.1.
Variant type: single nucleotide variant.
Coding change: c.1441A>G on transcript NM_004208.4 (MANE Select); coding-DNA position 1441, A replaced by G.
Protein change: p.Met481Val; replaces methionine 481 with valine.
Molecular consequence: missense variant. On other transcripts: 3 prime UTR variant (1), non-coding transcript variant (1).
Genome position (GRCh38, 1-based): chrX:130,133,320, T>C on the plus strand (A>G on the coding strand, the complement: AIFM1 is on the minus strand). VCF-style: chrX-130133320-T-C. GRCh37 (hg19) VCF-style: chrX-129267295-T-C.
Other names: c.424A>G, p.Met142Val (NM_001130846.4); c.*669A>G (NM_001130847.4); c.1429A>G, p.Met477Val (NM_145812.3); short protein forms M142V, M481V, M477V.
Identifiers: ClinVar variation 2938751 (VCV002938751.3), dbSNP rs1420109388, ClinGen allele CA414573059.

ClinVar aggregate classification (germline): Uncertain significance (1 of 4 stars; one submission).

Conditions:
Combined oxidative phosphorylation deficiency. Identifiers: MedGen C4540031, MONDO:0000732.
Charcot-Marie-Tooth Neuropathy X. Identifiers: MedGen CN118851.

Allele frequency attached by ClinVar (database versions not stated): gnomAD exomes below 0.00001.
gnomAD v4.1: 1 of 1,211,289 alleles (0.000083%); highest among the groups gnomAD compares: Non-Finnish European, 0.00011%; no homozygotes.

Submission:

Labcorp Genetics (formerly Invitae), Labcorp
Classification: Uncertain significance for Charcot-Marie-Tooth Neuropathy X; Combined oxidative phosphorylation deficiency. Last evaluated: 2023-06-10. Review status: criteria provided, single submitter. Criteria: Invitae Variant Classification Sherloc (09022015). Collection method: clinical testing. Allele origin: germline.
Comment: Advanced modeling of protein sequence and biophysical properties (such as structural, functional, and spatial information, amino acid conservation, physicochemical variation, residue mobility, and thermodynamic stability) performed at Invitae indicates that this missense variant is expected to disrupt AIFM1 protein function. This variant has not been reported in the literature in individuals affected with AIFM1-related conditions. This variant is not present in population databases (gnomAD no frequency). This sequence change replaces methionine, which is neutral and non-polar, with valine, which is neutral and non-polar, at codon 481 of the AIFM1 protein (p.Met481Val). Algorithms developed to predict the effect of sequence changes on RNA splicing suggest that this variant may create or strengthen a splice site. In summary, the available evidence is currently insufficient to determine the role of this variant in disease. Therefore, it has been classified as a Variant of Uncertain Significance.